The following is an entry in ClinVar:

ClinVar aggregate classification (germline): Benign (1 of 4 stars; one submission).

Conditions:
Cortical dysplasia-focal epilepsy syndrome (PTHSL1). Also called: Pitt-Hopkins-like syndrome 1. Identifiers: Orphanet 163681, Orphanet 221150, MedGen C2750246, MONDO:0012400, OMIM 610042.

Allele frequency attached by ClinVar (database versions not stated): 1000 Genomes Project 0.00499; 1000 Genomes Project 30x 0.00578; gnomAD 0.00606 and 0.00661; TOPMed 0.00682.

Submission:

Illumina Laboratory Services, Illumina
Classification: Benign for Cortical dysplasia-focal epilepsy syndrome. Last evaluated: 2018-01-13. Review status: criteria provided, single submitter. Criteria: ICSL Variant Classification Criteria 13 December 2019. Collection method: clinical testing. Allele origin: germline.
Comment: This variant was observed in the ICSL laboratory as part of a predisposition screen in an ostensibly healthy population. It had not been previously curated by ICSL or reported in the Human Gene Mutation Database (HGMD: prior to June 1st, 2018), and was therefore a candidate for classification through an automated scoring system. Utilizing variant allele frequency, disease prevalence and penetrance estimates, and inheritance mode, an automated score was calculated to assess if this variant is too frequent to cause the disease. Based on the score and internal cut-off values, a variant classified as benign is not then subjected to further curation. The score for this variant resulted in a classification of benign for this disease.

NM_014141.6(CNTNAP2):c.*2670T>G

Gene: CNTNAP2 (contactin associated protein 2; plus strand). Cytogenetic location: 7q36.1.
Variant type: single nucleotide variant.
Coding change: c.*2670T>G on transcript NM_014141.6 (MANE Select); 2670 bases downstream of the stop codon, T replaced by G.
Molecular consequence: 3 prime UTR variant.
Genome position (GRCh38, 1-based): chr7:148,418,286, T>G. VCF-style: chr7-148418286-T-G. GRCh37 (hg19) VCF-style: chr7-148115378-T-G.
Identifiers: ClinVar variation 910461 (VCV000910461.4), dbSNP rs116187496, ClinGen allele CA168857189.
Genomic context (GRCh38, chr7:148,418,286, plus strand): 5'-AGAAAAAGAATTAAGTCTTTCTTCCAACTCTCTCCTTGGATAGCCTAGCACAGTGCAGCC[T>G]CCATAACCATGACATTCCCGCCCAAGCTCTCAGTGCCTAATCCTGCTTTGTCATTCACAT-3'